The following is an entry in ClinVar:

ClinVar aggregate classification (germline): Likely pathogenic (1 of 4 stars; one submission).

Conditions:
Dilated cardiomyopathy 1G (CMD1G). Identifiers: Orphanet 154, MedGen C1858763, MONDO:0011400, OMIM 604145.
Autosomal recessive limb-girdle muscular dystrophy type 2J (LGMDR10). Also called: Limb-girdle muscular dystrophy, type 2J; MUSCULAR DYSTROPHY, LIMB-GIRDLE, AUTOSOMAL RECESSIVE 10. Identifiers: Orphanet 140922, MedGen C1837342, MONDO:0012127, OMIM 608807.

Submission:

Labcorp Genetics (formerly Invitae), Labcorp
Classification: Likely pathogenic for Dilated cardiomyopathy 1G; Autosomal recessive limb-girdle muscular dystrophy type 2J. Last evaluated: 2020-07-29. Review status: criteria provided, single submitter. Criteria: Invitae Variant Classification Sherloc (09022015). Collection method: clinical testing. Allele origin: germline.
Comment: In summary, the currently available evidence indicates that the variant is pathogenic, but additional data are needed to prove that conclusively. Therefore, this variant has been classified as Likely Pathogenic. This variant is located in the A band of TTN (PMID: 25589632). Truncating variants in this region are significantly overrepresented in patients affected with dilated cardiomyopathy (PMID: 25589632). Truncating variants in this region have also been reported in individuals affected with autosomal recessive centronuclear myopathy (PMID: 23975875). Algorithms developed to predict the effect of sequence changes on RNA splicing suggest that this variant may disrupt the consensus splice site, but this prediction has not been confirmed by published transcriptional studies. This variant has not been reported in the literature in individuals with TTN-related conditions. This variant is not present in population databases (ExAC no frequency). This sequence change affects an acceptor splice site in intron 292 of the TTN gene. It is expected to disrupt RNA splicing and likely results in a truncated or disrupted TTN protein.

Literature cited by the submitters: PubMed 25589632; PubMed 23975875.

NM_001267550.2(TTN):c.57112-1G>C

Genes: TTN (titin; minus strand), TTN-AS1 (TTN antisense RNA 1; plus strand). Cytogenetic location: 2q31.2.
Variant type: single nucleotide variant.
Coding change: c.57112-1G>C on transcript NM_001267550.2 (MANE Select); the canonical splice acceptor site of the intron before coding-DNA position 57112, G replaced by C.
Molecular consequence: splice acceptor variant.
Genome position (GRCh38, 1-based): chr2:178,598,059, C>G on the plus strand (G>C on the coding strand, the complement: TTN is on the minus strand). VCF-style: chr2-178598059-C-G. GRCh37 (hg19) VCF-style: chr2-179462786-C-G.
Other names: c.29917-1G>C (NM_003319.4); c.30493-1G>C (NM_133437.4); c.30292-1G>C (NM_133432.3); c.49408-1G>C (NM_133378.4); c.52189-1G>C (NM_001256850.1).
Identifiers: ClinVar variation 1067746 (VCV001067746.9), dbSNP rs2154190178, ClinGen allele CA349523349.